The following is an entry in ClinVar:

NM_024675.4(PALB2):c.1276dup (p.Glu426fs)

Gene: PALB2 (partner and localizer of BRCA2; minus strand). Cytogenetic location: 16p12.2.
Variant type: Duplication.
Coding change: c.1276dup on transcript NM_024675.4 (MANE Select); coding-DNA position 1276, one base duplicated (G; older notation c.1276dupG).
Protein change: p.Glu426fs; shifts the reading frame from glutamic acid 426.
Molecular consequence: frameshift variant.
Genome position (GRCh38, 1-based): chr16:23,635,270, C duplicated on the plus strand (G on the coding strand, the reverse complement: PALB2 is on the minus strand); the first of 2 consecutive C bases (chr16:23,635,270-23,635,271); duplicating either gives the same sequence. VCF-style (leftmost placement, unchanged base first): chr16-23635269-T-TC. GRCh37 (hg19) VCF-style: chr16-23646590-T-TC.
Other names: c.1276dupG (NM_024675.3); short protein forms E426fs.
Identifiers: ClinVar variation 492155 (VCV000492155.4), dbSNP rs1555461363, ClinGen allele CA658683912.

ClinVar aggregate classification (germline): Pathogenic (1 of 4 stars; one submission).

Conditions:
Hereditary cancer-predisposing syndrome. Also called: Hereditary neoplastic syndrome; Tumor predisposition; Hereditary Cancer Syndrome; Neoplastic Syndromes, Hereditary. Identifiers: Orphanet 140162, MedGen C0027672, MeSH D009386, MONDO:0015356.

Submission:

Color Diagnostics, LLC DBA Color Health
Classification: Pathogenic for Hereditary cancer-predisposing syndrome. Last evaluated: 2020-03-19. Review status: criteria provided, single submitter. Criteria: ACMG Guidelines, 2015. Collection method: clinical testing. Allele origin: germline.
Comment: This variant inserts 1 nucleotide in exon 4 of the PALB2 gene, creating a frameshift and premature translation stop signal. This variant is expected to result in an absent or non-functional protein product. To our knowledge, this variant has not been reported in individuals affected with hereditary cancer in the literature. This variant has not been identified in the general population by the Genome Aggregation Database (gnomAD). Loss of PALB2 function is a known mechanism of disease. Based on the available evidence, this variant is classified as Pathogenic.